The following is an entry in ClinVar:

NG_011731.2:g.4741A>C

Gene: HNF1A (HNF1 homeobox A; plus strand). Cytogenetic location: 12q24.31.
Variant type: single nucleotide variant.
Genome position: GRCh38 VCF-style: chr12-120978486-A-C. GRCh37 (hg19) VCF-style: chr12-121416289-A-C.
Other names: A-C, -58, PROMOTER.
Identifiers: ClinVar variation 14933 (VCV000014933.9), dbSNP rs2135818776, ClinGen allele CA2286774128.

ClinVar aggregate classification (germline): Pathogenic. Review status: reviewed by expert panel (3 of 4 stars). 4 submissions from 4 submitters: Pathogenic (1). 3 of the submissions do not count toward it. Last evaluated 2025-07-25.

Conditions:
Monogenic diabetes. Identifiers: Orphanet 183625, MedGen C3888631, MONDO:0015967.
Maturity-onset diabetes of the young type 3. Also called: MODY type 3; MODY, type III. Identifiers: Orphanet 552, MedGen C1838100, MeSH C563933, MONDO:0010894, OMIM 600496. Disease mechanism: loss of function.

Submissions (4):

ClinGen Monogenic Diabetes Variant Curation Expert Panel
Classification: Pathogenic for Monogenic diabetes. Last evaluated: 2025-07-25. Review status: reviewed by expert panel. Criteria: ClinGen Diabetes ACMG Specifications HNF1A V3.0.0. Collection method: curation. Allele origin: germline. Inheritance: Autosomal dominant inheritance.
Comment: The c.-283A>C in the HNF1 homeobox A gene, HNF1A, is a single nucleotide variant in the promoter of NM_000545.8. This variant is located within the HNF4A binding domain (c.-276 to c.-288) of HNF1A, which is defined as critical for the protein’s function by the ClinGen MDEP (PM1_Supporting). Functional studies demonstrated the c.-283A>C protein has transactivation below 40% of wildtype, indicating that this variant impacts protein function (PS3_Supporting; PMID:10649494). This variant is absent in gnomAD v4.1.0 (PM2_Supporting). This variant was identified in 5 unrelated individuals with non-autoimmune and non-absolute/near-absolute insulin-deficient diabetes (PS4_Moderate; PMID:9313764; internal lab contributors). Additionally, one of these individuals had a clinical history highly specific for HNF1A-monogenic diabetes (MODY probability calculator result >50%, negative genetic testing for HNF4A, and sulfonylurea sensitive) (PP4_Moderate; internal lab contributor). This variant also segregated with diabetes, with 7 informative meioses in two families with MODY (PP1_Strong; PMID: 9313764; internal lab contributor). Taken together, this evidence suggests the classification of this variant as pathogenic for monogenic diabetes. ACMG/AMP criteria applied, as specified by the ClinGen MDEP VCEP (specification version 3.0.0, approved 6/30/2025): PP1_Strong, PP4_Moderate, PM1_Supporting, PM2_Supporting, PS3_Supporting, PS4_Moderate.

Labcorp Genetics (formerly Invitae), Labcorp
Classification: Likely pathogenic. Last evaluated: 2024-05-29. Review status: criteria provided, single submitter. Criteria: Invitae Variant Classification Sherloc (09022015). Collection method: clinical testing. Allele origin: germline. Not counted in ClinVar's aggregate classification.
Comment: This variant occurs in a non-coding region of the HNF1A gene. It does not change the encoded amino acid sequence of the HNF1A protein. This variant is not present in population databases (gnomAD no frequency). This variant has been observed in individual(s) with maturity-onset diabetes of the young (PMID: 9313764). It has also been observed to segregate with disease in related individuals. This variant is also known as A>C substitution at nucleotide -58. Algorithms developed to predict the effect of variants on gene product structure and function are not available or were not evaluated for this variant. Experimental studies have shown that this variant affects HNF1A function (PMID: 10649494). In summary, the currently available evidence indicates that the variant is pathogenic, but additional data are needed to prove that conclusively. Therefore, this variant has been classified as Likely Pathogenic.

GeneDx
Classification: Likely pathogenic. Last evaluated: 2022-03-10. Review status: criteria provided, single submitter. Criteria: GeneDx Variant Classification Process June 2021. Collection method: clinical testing. Allele origin: germline. Affected: yes. Not counted in ClinVar's aggregate classification.
Comment: Published functional studies demonstrate this variant has significantly decreased luciferase activity compared to wild-type (Godart et al., 2000; Lausen et al., 2000; Radha et al., 2009); No data available from control populations to assess the frequency of this variant; This variant is associated with the following publications: (PMID: 19336507, 10606640, 22413961, 23348805, 11692182, 10649494, 9313764)

OMIM
Classification: Pathogenic for MATURITY-ONSET DIABETES OF THE YOUNG, TYPE 3. Last evaluated: 1997-10-01. Review status: no assertion criteria provided. Collection method: literature only. Allele origin: germline. Not counted in ClinVar's aggregate classification.

Literature cited by the submitters: PubMed 9313764 (cited by 3 submitters); PubMed 10649494 (cited by ClinGen Monogenic Diabetes Variant Curation Expert Panel and Labcorp Genetics (formerly Invitae), Labcorp).